The following is an entry in ClinVar:

ClinVar aggregate classification (germline): Likely benign. Review status: criteria provided, single submitter (1 of 4 stars). 2 submissions from 2 submitters: Likely benign (1). 1 of the submissions does not count toward it. Last evaluated 2025-12-15.

Conditions:
KSR2-related disorder. Also called: KSR2-related condition.

Allele frequency attached by ClinVar (database versions not stated): TOPMed 0.00005; gnomAD 0.00007; ESP Exome Variant Server 0.00008.
gnomAD v4.1: 85 of 1,611,194 alleles (0.0053%); highest among the groups gnomAD compares: Non-Finnish European, 0.0068%; no homozygotes.

Submissions (2):

Labcorp Genetics (formerly Invitae), Labcorp
Classification: Likely benign. Last evaluated: 2025-12-15. Review status: criteria provided, single submitter. Criteria: Invitae Variant Classification Sherloc (09022015). Collection method: clinical testing. Allele origin: germline.

PreventionGenetics, part of Exact Sciences
Classification: Likely benign for KSR2-related condition. Last evaluated: 2021-12-16. Review status: no assertion criteria provided. Collection method: clinical testing. Allele origin: germline. Not counted in ClinVar's aggregate classification.
Comment: This variant is classified as likely benign based on ACMG/AMP sequence variant interpretation guidelines (Richards et al. 2015 PMID: 25741868, with internal and published modifications).

NM_173598.6(KSR2):c.1032C>T (p.Ser344=)

Gene: KSR2 (kinase suppressor of ras 2; minus strand). Cytogenetic location: 12q24.22.
Variant type: single nucleotide variant.
Coding change: c.1032C>T on transcript NM_173598.6 (MANE Select); coding-DNA position 1032, C replaced by T.
Protein change: p.Ser344=; no amino-acid change (serine 344 retained).
Molecular consequence: synonymous variant.
Genome position (GRCh38, 1-based): chr12:117,667,613, G>A on the plus strand (C>T on the coding strand, the complement: KSR2 is on the minus strand). VCF-style: chr12-117667613-G-A. GRCh37 (hg19) VCF-style: chr12-118105418-G-A.
Identifiers: ClinVar variation 3050434 (VCV003050434.3), dbSNP rs373320178, ClinGen allele CA6816155.
Genomic context (GRCh38, chr12:117,667,613, plus strand): 5'-GGAGCGCTCGGACAGCAGCGGGGAGCGCTGCTGAGAGGGGATGTTCTCGCAGCTGCCTAC[G>A]CTGCTGTGGATCTTGAGGTTCAAGGGTTTGCTCTTCTTCTTGGCTCTGAAAGGGAGACAG-3'
Protein context (NP_775869.4, residues 334-354): SKPLNLKIHS[Ser344=]VGSCENIPSQ